The following is an entry in ClinVar:

ClinVar aggregate classification (germline): Uncertain significance. Review status: criteria provided, multiple submitters, no conflicts (2 of 4 stars). 2 submissions from 2 submitters: Uncertain significance (2). Last evaluated 2025-08-09.

Conditions:
Inborn genetic diseases. Identifiers: MedGen C0950123, MeSH D030342.

Allele frequency attached by ClinVar (database versions not stated): TOPMed below 0.00001; gnomAD exomes 0.00001.
gnomAD v4.1: 3 of 1,613,170 alleles (0.00019%); highest among the groups gnomAD compares: South Asian, 0.0011%; no homozygotes.

Submissions (2):

Ambry Genetics
Classification: Uncertain significance for Inborn genetic diseases. Last evaluated: 2025-08-09. Review status: criteria provided, single submitter. Criteria: Ambry Variant Classification Scheme 2023. Collection method: clinical testing. Allele origin: germline.
Comment: The p.G301E variant (also known as c.902G>A), located in coding exon 5 of the ETV6 gene, results from a G to A substitution at nucleotide position 902. The glycine at codon 301 is replaced by glutamic acid, an amino acid with similar properties. This amino acid position is conserved. In addition, this alteration is predicted to be tolerated by in silico analysis. Based on the available evidence, the clinical significance of this variant remains unclear.

Labcorp Genetics (formerly Invitae), Labcorp
Classification: Uncertain significance. Last evaluated: 2024-01-26. Review status: criteria provided, single submitter. Criteria: Invitae Variant Classification Sherloc (09022015). Collection method: clinical testing. Allele origin: germline.
Comment: This sequence change replaces glycine, which is neutral and non-polar, with glutamic acid, which is acidic and polar, at codon 301 of the ETV6 protein (p.Gly301Glu). This variant is not present in population databases (gnomAD no frequency). This variant has not been reported in the literature in individuals affected with ETV6-related conditions. Advanced modeling of protein sequence and biophysical properties (such as structural, functional, and spatial information, amino acid conservation, physicochemical variation, residue mobility, and thermodynamic stability) performed at Invitae indicates that this missense variant is not expected to disrupt ETV6 protein function with a negative predictive value of 80%. In summary, the available evidence is currently insufficient to determine the role of this variant in disease. Therefore, it has been classified as a Variant of Uncertain Significance.

NM_001987.5(ETV6):c.902G>A (p.Gly301Glu)

Gene: ETV6 (ETS variant transcription factor 6; plus strand). Cytogenetic location: 12p13.2.
Variant type: single nucleotide variant.
Coding change: c.902G>A on transcript NM_001987.5 (MANE Select); coding-DNA position 902, G replaced by A.
Protein change: p.Gly301Glu; replaces glycine 301 with glutamic acid.
Molecular consequence: missense variant.
Genome position (GRCh38, 1-based): chr12:11,869,862, G>A. VCF-style: chr12-11869862-G-A. GRCh37 (hg19) VCF-style: chr12-12022796-G-A.
Other names: c.899G>A, p.Gly300Glu (NM_001413913.1); c.875G>A, p.Gly292Glu (NM_001413914.1); c.638G>A, p.Gly213Glu (NM_001413915.1); c.902G>A, p.Gly301Glu (NM_001413916.1, NM_001413917.1); short protein forms G301E, G292E, G213E, G300E.
Identifiers: ClinVar variation 2780102 (VCV002780102.4), dbSNP rs1946854086, ClinGen allele CA384044206.